The following is an entry in ClinVar:

ClinVar aggregate classification (germline): Uncertain significance (1 of 4 stars; one submission).

Conditions:
Bethlem myopathy 2 (BTHLM2). Identifiers: Orphanet 536516, Orphanet 610, MedGen C4225313, MONDO:0034022, OMIM 616471.
Ullrich congenital muscular dystrophy 2 (UCMD2). Identifiers: Orphanet 75840, MedGen C4225314, MONDO:0014654, OMIM 616470.

Submission:

Labcorp Genetics (formerly Invitae), Labcorp
Classification: Uncertain significance for Bethlem myopathy 2; Ullrich congenital muscular dystrophy 2. Last evaluated: 2025-05-08. Review status: criteria provided, single submitter. Criteria: Invitae Variant Classification Sherloc (09022015). Collection method: clinical testing. Allele origin: germline.
Comment: This sequence change replaces serine, which is neutral and polar, with arginine, which is basic and polar, at codon 1754 of the COL12A1 protein (p.Ser1754Arg). This variant is not present in population databases (gnomAD no frequency). This variant has not been reported in the literature in individuals affected with COL12A1-related conditions. Invitae Evidence Modeling of protein sequence and biophysical properties (such as structural, functional, and spatial information, amino acid conservation, physicochemical variation, residue mobility, and thermodynamic stability) indicates that this missense variant is not expected to disrupt COL12A1 protein function with a negative predictive value of 80%. In summary, the available evidence is currently insufficient to determine the role of this variant in disease. Therefore, it has been classified as a Variant of Uncertain Significance.

NM_004370.6(COL12A1):c.5260A>C (p.Ser1754Arg)

Gene: COL12A1 (collagen type XII alpha 1 chain; minus strand). Cytogenetic location: 6q13.
Variant type: single nucleotide variant.
Coding change: c.5260A>C on transcript NM_004370.6 (MANE Select); coding-DNA position 5260, A replaced by C.
Protein change: p.Ser1754Arg; replaces serine 1754 with arginine.
Molecular consequence: missense variant.
Genome position (GRCh38, 1-based): chr6:75,137,571, T>G on the plus strand (A>C on the coding strand, the complement: COL12A1 is on the minus strand). VCF-style: chr6-75137571-T-G. GRCh37 (hg19) VCF-style: chr6-75847287-T-G.
Other names: c.5260A>C, p.Ser1754Arg (NM_001424113.1); c.5239A>C, p.Ser1747Arg (NM_001424114.1); c.4987A>C, p.Ser1663Arg (NM_001424115.1); c.1768A>C, p.Ser590Arg (NM_001424116.1, NM_080645.3); short protein forms S590R, S1754R, S1663R, S1747R.
Identifiers: ClinVar variation 4792072 (VCV004792072.1).